The following is an entry in ClinVar:

ClinVar aggregate classification (germline): Likely pathogenic (1 of 4 stars; one submission).

Submission:

GeneDx
Classification: Likely pathogenic. Last evaluated: 2019-01-23. Review status: criteria provided, single submitter. Criteria: GeneDx Variant Classification (06012015). Collection method: clinical testing. Allele origin: germline. Affected: yes.
Comment: The Y414X variant in the MYBPC1 gene has not been reported previously as a pathogenic variant nor as a benign variant, to our knowledge. This variant is predicted to cause loss of normal protein function either through protein truncation or nonsense-mediated mRNA decay. The Y414X variant is not observed in large population cohorts (Lek et al., 2016). We interpret Y414X as a likely pathogenic variant.

NM_002465.4(MYBPC1):c.1242C>A (p.Tyr414Ter)

Genes: MYBPC1 (myosin binding protein C1; plus strand), LOC105369937 (uncharacterized LOC105369937; minus strand). Cytogenetic location: 12q23.2.
Variant type: single nucleotide variant.
Coding change: c.1242C>A on transcript NM_002465.4 (MANE Select); coding-DNA position 1242, C replaced by A.
Protein change: p.Tyr414Ter; replaces tyrosine 414 with a stop codon.
Molecular consequence: nonsense.
Genome position (GRCh38, 1-based): chr12:101,649,305, C>A. VCF-style: chr12-101649305-C-A. GRCh37 (hg19) VCF-style: chr12-102043083-C-A.
Other names: c.1167C>A, p.Tyr389Ter (NM_001254718.3, NM_001254719.3, NM_206820.4 and 1 more transcripts); c.1131C>A, p.Tyr377Ter (NM_001254720.3); c.1110C>A, p.Tyr370Ter (NM_001254721.3, NM_001404676.1, NM_001404678.1); c.1089C>A, p.Tyr363Ter (NM_001254722.3, NM_001404680.1); c.1128C>A, p.Tyr376Ter (NM_001254723.3); c.1242C>A, p.Tyr414Ter (NM_001404675.1, NM_206819.4); c.1032C>A, p.Tyr344Ter (NM_001404677.1, NM_001404679.1, NM_001404681.1); short protein forms Y414*, Y370*, Y377*, Y389*, Y363*, Y376*, Y344*.
Identifiers: ClinVar variation 620531 (VCV000620531.3), dbSNP rs1207085497, ClinGen allele CA386282101.